The following is an entry in ClinVar:

NC_000019.9:g.(?_39074134)_(39077236_?)del

Gene: RYR1 (ryanodine receptor 1; plus strand). Cytogenetic location: 19q13.2.
Variant type: Deletion.
Identifiers: ClinVar variation 2423264 (VCV002423264.3).

ClinVar aggregate classification (germline): Pathogenic (1 of 4 stars; one submission).

Conditions:
RYR1-related disorder. Also called: RYR1-related condition; RYR1-related disorders. Identifiers: MedGen CN239331.

Submission:

Labcorp Genetics (formerly Invitae), Labcorp
Classification: Pathogenic for RYR1-related disorder. Last evaluated: 2022-09-24. Review status: criteria provided, single submitter. Criteria: Invitae Variant Classification Sherloc (09022015). Collection method: clinical testing. Allele origin: germline.
Comment: This variant is a gross deletion of the genomic region encompassing exon(s) 102-105 of the RYR1 gene. This variant would be expected to be in-frame, preserving the integrity of the reading frame. This variant has not been reported in the literature in individuals affected with RYR1-related conditions. This variant disrupts a region of the RYR1 protein in which other variant(s) (p.Glu4911Lys) have been determined to be pathogenic (PMID: 30611313). This suggests that this is a clinically significant region of the protein, and that variants that disrupt it are likely to be disease-causing. For these reasons, this variant has been classified as Pathogenic.

Literature cited by the submitters: PubMed 30611313.